The following is an entry in ClinVar:

NM_000276.4(OCRL):c.108del (p.Asn36fs)

Gene: OCRL (OCRL inositol polyphosphate-5-phosphatase; plus strand). Cytogenetic location: Xq26.1.
Variant type: Deletion.
Coding change: c.108del on transcript NM_000276.4 (MANE Select); coding-DNA position 108, one base deleted (C; older notation c.108delC).
Protein change: p.Asn36fs; shifts the reading frame from asparagine 36.
Molecular consequence: frameshift variant.
Genome position (GRCh38, 1-based): chrX:129,540,812, C deleted. VCF-style (leftmost placement, unchanged base first): chrX-129540811-AC-A. GRCh37 (hg19) VCF-style: chrX-128674788-AC-A.
Other names: NM_001587.4:c.108del; c.111del, p.Asn37fs (NM_001318784.2); c.108del, p.Asn36fs (NM_001587.4); short protein forms N36fs, N37fs.
Identifiers: ClinVar variation 2412679 (VCV002412679.1), dbSNP rs2521838917, ClinGen allele CA2573320665.

ClinVar aggregate classification (germline): Likely pathogenic (1 of 4 stars; one submission).

Conditions:
Dent disease type 2. Identifiers: Orphanet 1652, Orphanet 93623, MedGen C1845167, MONDO:0010359, OMIM 300555.

Submission:

Broad Center for Mendelian Genomics, Broad Institute of MIT and Harvard
Classification: Likely pathogenic for Dent disease type 2. Last evaluated: 2023-01-24. Review status: criteria provided, single submitter. Criteria: ACMG Guidelines, 2015. Collection method: curation. Allele origin: germline. Inheritance: X-linked inheritance.
Comment: The hemizygous p.Asn36LysfsTer6 variant in OCRL was identified by our study in two family members with Dent disease 2. The p.Asn36LysfsTer6 variant in OCRL has not been previously reported in individuals with Dent disease 2. This variant was absent from large population studies. This variant is predicted to cause a frameshift, which alters the protein‚Äôs amino acid sequence beginning at position 36 and leads to a premature termination codon 6 amino acids downstream. This alteration is then predicted to lead to a truncated or absent protein. Loss of function of the OCRL gene is an established disease mechanism in X-linked recessive Dent disease 2. In summary, although additional studies are required to fully establish its clinical significance, this variant is likely pathogenic for X-linked Dent disease 2. ACMG/AMP Criteria applied: PVS1, PM2_Supporting (Richards 2015).